The following is an entry in ClinVar:

ClinVar aggregate classification (germline): Uncertain significance (1 of 4 stars; one submission).

Conditions:
Spastic paraplegia. Identifiers: MedGen C0037772, HP:0001258.

Submission:

Labcorp Genetics (formerly Invitae), Labcorp
Classification: Uncertain significance for Spastic paraplegia. Last evaluated: 2023-02-21. Review status: criteria provided, single submitter. Criteria: Invitae Variant Classification Sherloc (09022015). Collection method: clinical testing. Allele origin: germline.
Comment: In summary, the available evidence is currently insufficient to determine the role of this variant in disease. Therefore, it has been classified as a Variant of Uncertain Significance. Experimental studies and prediction algorithms are not available or were not evaluated, and the functional significance of this variant is currently unknown. This variant has not been reported in the literature in individuals affected with RTN2-related conditions. This variant is not present in population databases (gnomAD no frequency). This variant, c.1627_1632del, results in the deletion of 2 amino acid(s) of the RTN2 protein (p.Lys543_Ala544del), but otherwise preserves the integrity of the reading frame.

NM_005619.5(RTN2):c.1621AAAGCC[1] (p.541KA[1])

Genes: OPA3-RTN2 (OPA3-RTN2 readthrough; minus strand), RTN2 (reticulon 2; minus strand). Cytogenetic location: 19q13.32.
Variant type: Microsatellite.
Coding change: c.1621AAAGCC[1] on transcript NM_005619.5 (MANE Select); one copy of the 6-base unit AAAGCC starting at c.1621; the reference has two copies in a row; one copy, 6 bases deleted.
Protein change: p.541KA[1].
Molecular consequence: inframe deletion.
Genome position (GRCh38, 1-based): chr19:45,485,714-45,485,719, GGCTTT deleted on the plus strand (AAAGCC on the coding strand, the reverse complement: RTN2 is on the minus strand); deleting any 6 consecutive bases within chr19:45,485,714-45,485,727 gives the same sequence; the position shown is the placement nearest the transcript's 3' end. VCF-style (leftmost placement, unchanged base first): chr19-45485713-CGGCTTT-C. GRCh37 (hg19) VCF-style: chr19-45988971-CGGCTTT-C.
Other names: c.1402AAAGCC[1], p.468KA[1] (NM_206900.3); c.601AAAGCC[1], p.201KA[1] (NM_206901.3).
Identifiers: ClinVar variation 2722338 (VCV002722338.3), dbSNP rs1599903393, ClinGen allele CA920118751.